The following is an entry in ClinVar:

ClinVar aggregate classification (germline): Uncertain significance (0 of 4 stars; one submission).

Conditions:
Carcinoma of colon (CRC). Also called: Colonic carcinoma; Colon carcinoma. Identifiers: MedGen C0699790, MONDO:0002032.

Submission:

Department of Pathology and Laboratory Medicine, Sinai Health System
Classification: Uncertain significance for Carcinoma of colon. Review status: no assertion criteria provided. Collection method: clinical testing. Allele origin: unknown. Affected: yes. Observed: 1 variant allele. Study: The Canadian Open Genetics Repository (COGR).
Comment: The PALB2 p.Gln314Arg variant was not identified in the literature nor was it identified in the dbSNP, ClinVar, Cosmic, MutDB, LOVD 3.0, or the Zhejiang University Database. The variant was not identified in the following control databases: the 1000 Genomes Project, the NHLBI GO Exome Sequencing Project, the Exome Aggregation Consortium (August 8th 2016), or the Genome Aggregation Database (Feb 27, 2017). The p.Gln314 residue is conserved in mammals however computational analyses (PolyPhen-2, SIFT, AlignGVGD, BLOSUM, MutationTaster) do not suggest a high likelihood of impact to the protein; this information is not predictive enough to rule out pathogenicity. The variant occurs outside of the splicing consensus sequence and in silico or computational prediction software programs (SpliceSiteFinder, MaxEntScan, NNSPLICE, GeneSplicer, HumanSpliceFinder) do not predict a difference in splicing. In summary, based on the above information the clinical significance of this variant cannot be determined with certainty at this time. This variant is classified as a variant of uncertain significance.

NM_024675.4(PALB2):c.941A>G (p.Gln314Arg)

Gene: PALB2 (partner and localizer of BRCA2; minus strand). Cytogenetic location: 16p12.2.
Variant type: single nucleotide variant.
Coding change: c.941A>G on transcript NM_024675.4 (MANE Select); coding-DNA position 941, A replaced by G.
Protein change: p.Gln314Arg; replaces glutamine 314 with arginine.
Molecular consequence: missense variant.
Genome position (GRCh38, 1-based): chr16:23,635,605, T>C on the plus strand (A>G on the coding strand, the complement: PALB2 is on the minus strand). VCF-style: chr16-23635605-T-C. GRCh37 (hg19) VCF-style: chr16-23646926-T-C.
Other names: short protein forms Q314R.
Identifiers: ClinVar variation 1049552 (VCV001049552.1), dbSNP rs2142430398, ClinGen allele CA395135159.